The following is an entry in ClinVar:

NM_000051.4(ATM):c.6394C>A (p.Leu2132Ile)

Genes: ATM (ATM serine/threonine kinase; plus strand), C11orf65 (chromosome 11 open reading frame 65; minus strand). Cytogenetic location: 11q22.3.
Variant type: single nucleotide variant.
Coding change: c.6394C>A on transcript NM_000051.4 (MANE Select); coding-DNA position 6394, C replaced by A.
Protein change: p.Leu2132Ile; replaces leucine 2132 with isoleucine.
Molecular consequence: missense variant. On other transcripts: intron variant (2).
Genome position (GRCh38, 1-based): chr11:108,320,000, C>A. VCF-style: chr11-108320000-C-A. GRCh37 (hg19) VCF-style: chr11-108190727-C-A.
Other names: c.6394C>A, p.Leu2132Ile (NM_001351834.2); c.641-10929G>T (NM_001330368.2); c.*39-10929G>T (NM_001351110.2); short protein forms L2132I.
Identifiers: ClinVar variation 3653172 (VCV003653172.2).

ClinVar aggregate classification (germline): Uncertain significance (1 of 4 stars; one submission).

Conditions:
Ataxia-telangiectasia syndrome (AT). Also called: Ataxia-telangiectasia, complementation group D; AT, COMPLEMENTATION GROUP C; ATAXIA-TELANGIECTASIA, COMPLEMENTATION GROUP A; ATAXIA-TELANGIECTASIA, FRESNO VARIANT; Ataxia-telangiectasia; Ataxia-telangiectasia, complementation group E. Identifiers: Orphanet 100, MedGen C0004135, MONDO:0008840, OMIM 208900.

Submission:

Labcorp Genetics (formerly Invitae), Labcorp
Classification: Uncertain significance for Ataxia-telangiectasia syndrome. Last evaluated: 2025-07-31. Review status: criteria provided, single submitter. Criteria: Invitae Variant Classification Sherloc (09022015). Collection method: clinical testing. Allele origin: germline.
Comment: This sequence change replaces leucine, which is neutral and non-polar, with isoleucine, which is neutral and non-polar, at codon 2132 of the ATM protein (p.Leu2132Ile). This variant is not present in population databases (gnomAD no frequency). This variant has not been reported in the literature in individuals affected with ATM-related conditions. ClinVar contains an entry for this variant (Variation ID: 3653172). Invitae Evidence Modeling of protein sequence and biophysical properties (such as structural, functional, and spatial information, amino acid conservation, physicochemical variation, residue mobility, and thermodynamic stability) indicates that this missense variant is not expected to disrupt ATM protein function with a negative predictive value of 95%. In summary, the available evidence is currently insufficient to determine the role of this variant in disease. Therefore, it has been classified as a Variant of Uncertain Significance.